The following is an entry in ClinVar:

ClinVar aggregate classification (germline): Likely pathogenic. Review status: criteria provided, multiple submitters, no conflicts (2 of 4 stars). 2 submissions from 2 submitters: Likely pathogenic (2). Last evaluated 2025-06-26.

Conditions:
Epidermolysis bullosa dystrophica. Also called: Dystrophic epidermolysis bullosa, Hallopeau-Siemens type (formerly); Dystrophic epidermolysis bullosa. Identifiers: Orphanet 303, MedGen C0079294, MONDO:0006543.
Recessive dystrophic epidermolysis bullosa (RDEB). Also called: DYSTROPHIC EPIDERMOLYSIS BULLOSA, AUTOSOMAL RECESSIVE; EPIDERMOLYSIS BULLOSA DYSTROPHICA, HALLOPEAU-SIEMENS TYPE; Epidermolysis Bullosa Distrophica Autosomal Recessive (RDEB); epidermolysis bullosa dystrophica, autosomal recessive; Hallopeau-Siemens Disease; severe generalized recessive dystrophic epidermolysis bullosa. Identifiers: Orphanet 79408, Orphanet 79409, MedGen C0079474, MONDO:0009179, OMIM 226600.
Transient bullous dermolysis of the newborn (TBDN). Also called: DYSTROPHIC EPIDERMOLYSIS BULLOSA, NEONATAL; EPIDERMOLYSIS BULLOSA DYSTROPHICA, NEONATAL FORM. Identifiers: Orphanet 79411, MedGen C1851573, MONDO:0007548, OMIM 131705.
Pretibial dystrophic epidermolysis bullosa. Also called: EPIDERMOLYSIS BULLOSA DYSTROPHICA, PRETIBIAL; Pretibial epidermolysis bullosa; Pretibial blistering. Identifiers: Orphanet 79410, MedGen C0432321, MONDO:0007552, OMIM 131850, HP:0012221.
Epidermolysis bullosa pruriginosa. Also called: DEB, PRURIGINOSA; DYSTROPHIC EPIDERMOLYSIS BULLOSA PRURIGINOSA. Identifiers: Orphanet 89843, MedGen C1275114, MONDO:0011398, OMIM 604129.

Submissions (2):

Natera, Inc.
Classification: Likely pathogenic for Dystrophic epidermolysis bullosa. Last evaluated: 2025-06-26. Review status: criteria provided, single submitter. Criteria: Natera Variant Classification Schema (03/2026). Collection method: clinical testing. Allele origin: germline.
Comment: The c.904G>T variant in COL7A1 is a nonsense variant predicted to introduce a stop codon at amino acid 302. This variant is expected to result in nonsense mediated decay, truncation, or a dysfunctional protein product. This variant is rare in the general population with a frequency below the threshold expected for the associated phenotype(s). Given the available evidence, this variant is classified as Likely Pathogenic.

First Genomix Gene Laboratory, Genetic Diagnostics Department
Classification: Likely pathogenic for Recessive dystrophic epidermolysis bullosa; Epidermolysis bullosa pruriginosa; Pretibial dystrophic epidermolysis bullosa; Transient bullous dermolysis of the newborn. Last evaluated: 2025-03-19. Review status: criteria provided, single submitter. Criteria: ACMG Guidelines, 2015. Collection method: clinical testing. Allele origin: germline. Inheritance: Autosomal recessive inheritance. Affected: no. Observed: 1 variant allele.

NM_000094.4(COL7A1):c.904G>T (p.Glu302Ter)

Gene: COL7A1 (collagen type VII alpha 1 chain; minus strand). Cytogenetic location: 3p21.31.
Variant type: single nucleotide variant.
Coding change: c.904G>T on transcript NM_000094.4 (MANE Select); coding-DNA position 904, G replaced by T.
Protein change: p.Glu302Ter; replaces glutamic acid 302 with a stop codon.
Molecular consequence: nonsense.
Genome position (GRCh38, 1-based): chr3:48,592,642, C>A on the plus strand (G>T on the coding strand, the complement: COL7A1 is on the minus strand). VCF-style: chr3-48592642-C-A. GRCh37 (hg19) VCF-style: chr3-48630075-C-A.
Other names: short protein forms E302*.
Identifiers: ClinVar variation 4817412 (VCV004817412.2).